The following is an entry in ClinVar:

NM_153366.4(SVEP1):c.12C>T (p.Arg4=)

Gene: SVEP1 (sushi, von Willebrand factor type A, EGF and pentraxin domain containing 1; minus strand). Cytogenetic location: 9q31.3.
Variant type: single nucleotide variant.
Coding change: c.12C>T on transcript NM_153366.4 (MANE Select); coding-DNA position 12, C replaced by T.
Protein change: p.Arg4=; no amino-acid change (arginine 4 retained).
Molecular consequence: synonymous variant.
Genome position (GRCh38, 1-based): chr9:110,579,532, G>A on the plus strand (C>T on the coding strand, the complement: SVEP1 is on the minus strand). VCF-style: chr9-110579532-G-A. GRCh37 (hg19) VCF-style: chr9-113341812-G-A.
Identifiers: ClinVar variation 2659425 (VCV002659425.24), dbSNP rs962923397, ClinGen allele CA198354686.

ClinVar aggregate classification (germline): Likely benign (1 of 4 stars; one submission).

Allele frequency attached by ClinVar (database versions not stated): gnomAD 0.00002; TOPMed 0.00003.
gnomAD v4.1: 3 of 1,600,258 alleles (0.00019%); highest among the groups gnomAD compares: African/African-American, 0.004%; no homozygotes.

Submission:

CeGaT Center for Human Genetics Tuebingen
Classification: Likely benign. Last evaluated: 2023-04-01. Review status: criteria provided, single submitter. Criteria: CeGaT Center For Human Genetics Tuebingen Variant Classification Criteria Version 2. Collection method: clinical testing. Allele origin: germline. Affected: yes. Observed: 1 variant allele.
Comment: SVEP1: BP4, BP7